The following is an entry in ClinVar:

NM_003803.4(MYOM1):c.4649C>T (p.Ala1550Val)

Gene: MYOM1 (myomesin 1; minus strand). Cytogenetic location: 18p11.31.
Variant type: single nucleotide variant.
Coding change: c.4649C>T on transcript NM_003803.4 (MANE Select); coding-DNA position 4649, C replaced by T.
Protein change: p.Ala1550Val; replaces alanine 1550 with valine.
Molecular consequence: missense variant.
Genome position (GRCh38, 1-based): chr18:3,075,761, G>A on the plus strand (C>T on the coding strand, the complement: MYOM1 is on the minus strand). VCF-style: chr18-3075761-G-A. GRCh37 (hg19) VCF-style: chr18-3075759-G-A.
Other names: c.4649C>T (NM_003803.3); c.4361C>T, p.Ala1454Val (NM_019856.2); short protein forms A1550V, A1454V.
Identifiers: ClinVar variation 1038773 (VCV001038773.9), dbSNP rs775657868, ClinGen allele CA401707569.

ClinVar aggregate classification (germline): Uncertain significance. Review status: criteria provided, multiple submitters, no conflicts (2 of 4 stars). 2 submissions from 2 submitters: Uncertain significance (2). Last evaluated 2026-08-16.

Conditions:
Hypertrophic cardiomyopathy. Also called: HYPERTROPHIC MYOCARDIOPATHY. Identifiers: Orphanet 217569, MedGen C0007194, MeSH D002312, MONDO:0005045, HP:0001639.

Allele frequency attached by ClinVar (database versions not stated): TOPMed below 0.00001.
gnomAD v4.1: 1 of 1,584,820 alleles (0.000063%); highest among the groups gnomAD compares: Non-Finnish European, 0.000086%; no homozygotes.

Submissions (2):

Ambry Genetics
Classification: Uncertain significance. Last evaluated: 2026-08-16. Review status: criteria provided, single submitter. Criteria: Ambry Variant Classification Scheme 2023. Collection method: clinical testing. Allele origin: germline.
Comment: The p.A1550V variant (also known as c.4649C>T) is located in coding exon 34 of the MYOM1 gene. The alanine at codon 1550 is replaced by valine, an amino acid with similar properties. This change occurs in the first base pair of coding exon 34. This amino acid position is conserved. In addition, this alteration is predicted to be tolerated by in silico analysis. Based on the available evidence, the clinical significance of this variant remains unclear.

Labcorp Genetics (formerly Invitae), Labcorp
Classification: Uncertain significance for Hypertrophic cardiomyopathy. Last evaluated: 2022-10-24. Review status: criteria provided, single submitter. Criteria: Invitae Variant Classification Sherloc (09022015). Collection method: clinical testing. Allele origin: germline.
Comment: Algorithms developed to predict the effect of missense changes on protein structure and function (SIFT, PolyPhen-2, Align-GVGD) all suggest that this variant is likely to be tolerated. This sequence change replaces alanine, which is neutral and non-polar, with valine, which is neutral and non-polar, at codon 1550 of the MYOM1 protein (p.Ala1550Val). This variant is not present in population databases (gnomAD no frequency). This variant has not been reported in the literature in individuals affected with MYOM1-related conditions. ClinVar contains an entry for this variant (Variation ID: 1038773). Algorithms developed to predict the effect of sequence changes on RNA splicing suggest that this variant may disrupt the consensus splice site. In summary, the available evidence is currently insufficient to determine the role of this variant in disease. Therefore, it has been classified as a Variant of Uncertain Significance.